The following is an entry in ClinVar:

NM_000179.3(MSH6):c.1542T>G (p.Cys514Trp)

Gene: MSH6 (mutS homolog 6; plus strand). Cytogenetic location: 2p16.3.
Variant type: single nucleotide variant.
Coding change: c.1542T>G on transcript NM_000179.3 (MANE Select); coding-DNA position 1542, T replaced by G.
Protein change: p.Cys514Trp; replaces cysteine 514 with tryptophan.
Molecular consequence: missense variant. On other transcripts: non-coding transcript variant (4), intron variant (1).
Genome position (GRCh38, 1-based): chr2:47,799,525, T>G. VCF-style: chr2-47799525-T-G. GRCh37 (hg19) VCF-style: chr2-48026664-T-G.
Other names: c.1152T>G, p.Cys384Trp (NM_001281492.2); c.636T>G, p.Cys212Trp (NM_001281493.2, NM_001281494.2, NM_001406811.1 and 6 more transcripts); c.1638T>G, p.Cys546Trp (NM_001406795.1, NM_001406802.1); c.1542T>G, p.Cys514Trp (NM_001406796.1, NM_001406798.1, NM_001406800.1 and 4 more transcripts); c.1245T>G, p.Cys415Trp (NM_001406797.1, NM_001406801.1, NM_001406805.1 and 10 more transcripts); c.1017T>G, p.Cys339Trp (NM_001406799.1, NM_001406806.1, NM_001406807.1); c.1464T>G, p.Cys488Trp (NM_001406804.1); c.1548T>G, p.Cys516Trp (NM_001406813.1); and 2 more; short protein forms C212W, C339W, C384W, C415W, C458W, C488W, C514W, C516W.
Identifiers: ClinVar variation 3230507 (VCV003230507.2), dbSNP rs1558662041, ClinGen allele CA346746600.

ClinVar aggregate classification (germline): Uncertain significance. Review status: criteria provided, multiple submitters, no conflicts (2 of 4 stars). 2 submissions from 2 submitters: Uncertain significance (2). Last evaluated 2025-03-07.

Conditions:
Hereditary nonpolyposis colorectal neoplasms. Identifiers: MedGen C0009405, MeSH D003123.
Hereditary cancer-predisposing syndrome. Also called: Neoplastic Syndromes, Hereditary; Tumor predisposition; Hereditary neoplastic syndrome; Hereditary Cancer Syndrome. Identifiers: Orphanet 140162, MedGen C0027672, MeSH D009386, MONDO:0015356.

Submissions (2):

Labcorp Genetics (formerly Invitae), Labcorp
Classification: Uncertain significance for Hereditary nonpolyposis colorectal neoplasms. Last evaluated: 2025-03-07. Review status: criteria provided, single submitter. Criteria: Invitae Variant Classification Sherloc (09022015). Collection method: clinical testing. Allele origin: germline.
Comment: This sequence change replaces cysteine, which is neutral and slightly polar, with tryptophan, which is neutral and slightly polar, at codon 514 of the MSH6 protein (p.Cys514Trp). This variant is not present in population databases (gnomAD no frequency). This variant has not been reported in the literature in individuals affected with MSH6-related conditions. ClinVar contains an entry for this variant (Variation ID: 3230507). Invitae Evidence Modeling of protein sequence and biophysical properties (such as structural, functional, and spatial information, amino acid conservation, physicochemical variation, residue mobility, and thermodynamic stability) indicates that this missense variant is expected to disrupt MSH6 protein function with a positive predictive value of 80%. In summary, the available evidence is currently insufficient to determine the role of this variant in disease. Therefore, it has been classified as a Variant of Uncertain Significance.

Ambry Genetics
Classification: Uncertain significance for Hereditary cancer-predisposing syndrome. Last evaluated: 2023-12-26. Review status: criteria provided, single submitter. Criteria: Ambry Variant Classification Scheme 2023. Collection method: clinical testing. Allele origin: germline.
Comment: The p.C514W variant (also known as c.1542T>G), located in coding exon 4 of the MSH6 gene, results from a T to G substitution at nucleotide position 1542. The cysteine at codon 514 is replaced by tryptophan, an amino acid with highly dissimilar properties. This amino acid position is conserved. In addition, this alteration is predicted to be deleterious by in silico analysis. Since supporting evidence is limited at this time, the clinical significance of this alteration remains unclear.